The following is an entry in ClinVar:

NC_000001.10:g.(?_161293394)_(161293470_?)del

Gene: SDHC (succinate dehydrogenase complex subunit C; plus strand). Cytogenetic location: 1q23.3.
Variant type: Deletion.
Identifiers: ClinVar variation 1040338 (VCV001040338.17).

ClinVar aggregate classification (germline): Pathogenic (1 of 4 stars; one submission).

Conditions:
Gastrointestinal stromal tumor. Also called: Gastrointestinal stromal tumor, somatic; Gastrointestinal stroma tumor. Identifiers: Orphanet 44890, MedGen C0238198, MeSH D046152, MONDO:0011719, OMIM 606764, HP:0100723.
Pheochromocytoma/paraganglioma syndrome 3. Also called: GLOMUS TUMORS, FAMILIAL, 3; SDHC-Related Hereditary Paraganglioma-Pheochromocytoma Syndrome (Paragangliomas 3); Paragangliomas 3; SDHC-Related Hereditary Paraganglioma-Pheochromocytoma Syndrome. Identifiers: Orphanet 29072, MedGen C1854336, MONDO:0011544, OMIM 605373.

Submission:

Labcorp Genetics (formerly Invitae), Labcorp
Classification: Pathogenic for Pheochromocytoma/paraganglioma syndrome 3; Gastrointestinal stromal tumor. Last evaluated: 2023-12-04. Review status: criteria provided, single submitter. Criteria: Invitae Variant Classification Sherloc (09022015). Collection method: clinical testing. Allele origin: germline.
Comment: This variant is a gross deletion of the genomic region encompassing exon(s) 2 of the SDHC gene. This variant would be expected to be in-frame, preserving the integrity of the reading frame. A similar copy number variant has been observed in individuals with paraganglioma (PMID: 19454582; Invitae). For these reasons, this variant has been classified as Pathogenic.

Literature cited by the submitters: PubMed 19454582.